The following is an entry in ClinVar:

ClinVar aggregate classification (germline): Uncertain significance (1 of 4 stars; one submission).

Submission:

GeneDx
Classification: Uncertain significance. Last evaluated: 2020-04-10. Review status: criteria provided, single submitter. Criteria: GeneDx Variant Classification Process June 2021. Collection method: clinical testing. Allele origin: germline. Affected: yes.
Comment: Not observed in large population cohorts (Lek et al., 2016); In silico analysis supports that this missense variant does not alter protein structure/function; Has not been previously published as pathogenic or benign to our knowledge; This variant is associated with the following publications: (PMID: 25486365, 2121369)

NM_001042492.3(NF1):c.2567G>C (p.Ser856Thr)

Gene: NF1 (neurofibromin 1; plus strand). Cytogenetic location: 17q11.2.
Variant type: single nucleotide variant.
Coding change: c.2567G>C on transcript NM_001042492.3 (MANE Select); coding-DNA position 2567, G replaced by C.
Protein change: p.Ser856Thr; replaces serine 856 with threonine.
Molecular consequence: missense variant.
Genome position (GRCh38, 1-based): chr17:31,229,182, G>C. VCF-style: chr17-31229182-G-C. GRCh37 (hg19) VCF-style: chr17-29556200-G-C.
Other names: c.2567G>C, p.Ser856Thr (NM_000267.4); short protein forms S856T.
Identifiers: ClinVar variation 1317299 (VCV001317299.2), dbSNP rs2151429147, ClinGen allele CA398984329.